The following is an entry in ClinVar:

NM_177438.3(DICER1):c.3932A>G (p.Asn1311Ser)

Gene: DICER1 (dicer 1, ribonuclease III; minus strand). Cytogenetic location: 14q32.13.
Variant type: single nucleotide variant.
Coding change: c.3932A>G on transcript NM_177438.3 (MANE Select); coding-DNA position 3932, A replaced by G.
Protein change: p.Asn1311Ser; replaces asparagine 1311 with serine.
Molecular consequence: missense variant.
Genome position (GRCh38, 1-based): chr14:95,103,464, T>C on the plus strand (A>G on the coding strand, the complement: DICER1 is on the minus strand). VCF-style: chr14-95103464-T-C. GRCh37 (hg19) VCF-style: chr14-95569801-T-C.
Other names: c.3932A>G, p.Asn1311Ser (NM_001195573.1, NM_001271282.3, NM_001291628.2 and 1 more transcripts); short protein forms N1311S.
Identifiers: ClinVar variation 1523483 (VCV001523483.7), dbSNP rs2139956215, ClinGen allele CA390873140.
Genomic context (GRCh38, chr14:95,103,464, plus strand): 5'-AGATATGTGGTGATGGCATGCTTTAAAAAGGAGTCGCCAAGCATTTCAAGCCGCTCCAGG[T>C]TAAATCCATCACTAGCGTTTGACAGAGTCAAAGCCTGAAGAATAAGTCCAGGATTGGGGC-3'
Protein context (NP_803187.1, residues 1301-1321): LTLSNASDGF[Asn1311Ser]LERLEMLGDS

ClinVar aggregate classification (germline): Uncertain significance (1 of 4 stars; one submission).

Conditions:
DICER1-related tumor predisposition. Also called: DICER1 syndrome; DICER1-related pleuropulmonary blastoma cancer predisposition syndrome. Identifiers: Orphanet 284343, MedGen C3839822, MONDO:0100216.

Submission:

Labcorp Genetics (formerly Invitae), Labcorp
Classification: Uncertain significance for DICER1-related tumor predisposition. Last evaluated: 2021-10-24. Review status: criteria provided, single submitter. Criteria: Invitae Variant Classification Sherloc (09022015). Collection method: clinical testing. Allele origin: germline.
Comment: Algorithms developed to predict the effect of missense changes on protein structure and function are either unavailable or do not agree on the potential impact of this missense change (SIFT: "Tolerated"; PolyPhen-2: "Probably Damaging"; Align-GVGD: "Class C0"). This variant has not been reported in the literature in individuals affected with DICER1-related conditions. This variant is not present in population databases (ExAC no frequency). This sequence change replaces asparagine with serine at codon 1311 of the DICER1 protein (p.Asn1311Ser). The asparagine residue is highly conserved and there is a small physicochemical difference between asparagine and serine. In summary, the available evidence is currently insufficient to determine the role of this variant in disease. Therefore, it has been classified as a Variant of Uncertain Significance.